The following is an entry in ClinVar:

ClinVar aggregate classification (germline): Pathogenic (1 of 4 stars; one submission).

Submission:

GeneDx
Classification: Pathogenic. Last evaluated: 2024-04-16. Review status: criteria provided, single submitter. Criteria: GeneDx Variant Classification Process June 2021. Collection method: clinical testing. Allele origin: germline.
Comment: Frameshift variant predicted to result in protein truncation or nonsense mediated decay in a gene for which loss-of-function is a known mechanism of disease; Not observed at significant frequency in large population cohorts (gnomAD); Has not been previously published as pathogenic or benign to our knowledge

NM_001844.5(COL2A1):c.2759dup (p.Gly921fs)

Gene: COL2A1 (collagen type II alpha 1 chain; minus strand). Cytogenetic location: 12q13.11.
Variant type: Duplication.
Coding change: c.2759dup on transcript NM_001844.5 (MANE Select); coding-DNA position 2759, one base duplicated (C; older notation c.2759dupC).
Protein change: p.Gly921fs; shifts the reading frame from glycine 921.
Molecular consequence: frameshift variant.
Genome position (GRCh38, 1-based): chr12:47,978,733, G duplicated on the plus strand (C on the coding strand, the reverse complement: COL2A1 is on the minus strand); the first of 5 consecutive G bases (chr12:47,978,733-47,978,737); duplicating any one gives the same sequence. VCF-style (leftmost placement, unchanged base first): chr12-47978732-A-AG. GRCh37 (hg19) VCF-style: chr12-48372515-A-AG.
Other names: c.2552dup, p.Gly852fs (NM_033150.3); short protein forms G852fs, G921fs.
Identifiers: ClinVar variation 2413012 (VCV002413012.4), dbSNP rs2136528491, ClinGen allele CA2580085536.
Genomic context (GRCh38, chr12:47,978,732, plus strand): 5'-TCGGCCAGGGGGGCCGCTGTCTCCTCGAGCACCTTTGGGACCATCTTTTCCAGAAGGACC[A>AG]GGGGGACCAGGGGGTCCAGGGTTGCCCTAGAAGGAGAAAATGCGGGAAGTGAGGACTCAT-3'